The following is an entry in ClinVar:

NM_133510.4(RAD51B):c.304T>A (p.Ser102Thr)

Gene: RAD51B (RAD51 paralog B; plus strand). Cytogenetic location: 14q24.1.
Variant type: single nucleotide variant.
Coding change: c.304T>A on transcript NM_133510.4 (MANE Select); coding-DNA position 304, T replaced by A.
Protein change: p.Ser102Thr; replaces serine 102 with threonine.
Molecular consequence: missense variant. On other transcripts: 5 prime UTR variant (1).
Genome position (GRCh38, 1-based): chr14:67,835,185, T>A. VCF-style: chr14-67835185-T-A. GRCh37 (hg19) VCF-style: chr14-68301902-T-A.
Other names: c.304T>A, p.Ser102Thr (NM_001321809.2, NM_001321810.2, NM_001321812.1 and 6 more transcripts); c.190T>A, p.Ser64Thr (NM_001321815.1); c.-152T>A (NM_001321817.2); short protein forms S102T, S64T.
Identifiers: ClinVar variation 3942275 (VCV003942275.1).
Genomic context (GRCh38, chr14:67,835,185, plus strand): 5'-TTCTTATCTACTACCCTTTCTGCTTTGGACGAAGCCCTGCATGGTGGTGTGGCTTGTGGA[T>A]CCCTCACAGAGGTAAAGGAAAAATTTTTCGTACCTTCTTCCATTGACCTATAACCTTCAG-3'
Protein context (NP_598194.1, residues 92-112): EALHGGVACG[Ser102Thr]LTEITGPPGC

ClinVar aggregate classification (germline): Uncertain significance (1 of 4 stars; one submission).

gnomAD v4.1: 1 of 1,613,162 alleles (0.000062%); highest among the groups gnomAD compares: East Asian, 0.0022%; no homozygotes.

Submission:

Ambry Genetics
Classification: Uncertain significance. Last evaluated: 2025-03-26. Review status: criteria provided, single submitter. Criteria: Ambry Variant Classification Scheme 2023. Collection method: clinical testing. Allele origin: germline.
Comment: The p.S102T variant (also known as c.304T>A), located in coding exon 3 of the RAD51B gene, results from a T to A substitution at nucleotide position 304. The serine at codon 102 is replaced by threonine, an amino acid with similar properties. This amino acid position is conserved. In addition, the in silico prediction for this alteration is inconclusive. Based on the available evidence, the clinical significance of this variant remains unclear.